The following is an entry in ClinVar:

ClinVar aggregate classification (germline): Uncertain significance (1 of 4 stars; one submission).

Conditions:
Psoriasis 2. Identifiers: MedGen C1864497, MONDO:0011269, OMIM 602723.
Pityriasis rubra pilaris (PRP). Also called: Pityriasis rubra pilaris--familial type. Identifiers: Orphanet 2897, MedGen C0032027, MONDO:0100017, OMIM 173200, MONDO:0008251.

Submission:

Labcorp Genetics (formerly Invitae), Labcorp
Classification: Uncertain significance for Pityriasis rubra pilaris; Psoriasis 2. Last evaluated: 2025-11-21. Review status: criteria provided, single submitter. Criteria: Invitae Variant Classification Sherloc (09022015). Collection method: clinical testing. Allele origin: germline.
Comment: This sequence change replaces leucine, which is neutral and non-polar, with isoleucine, which is neutral and non-polar, at codon 848 of the CARD14 protein (p.Leu848Ile). This variant is not present in population databases (gnomAD no frequency). This variant has not been reported in the literature in individuals affected with CARD14-related conditions. Invitae Evidence Modeling of protein sequence and biophysical properties (such as structural, functional, and spatial information, amino acid conservation, physicochemical variation, residue mobility, and thermodynamic stability) has been performed for this missense variant. However, the output from this modeling did not meet the statistical confidence thresholds required to predict the impact of this variant on CARD14 protein function. In summary, the available evidence is currently insufficient to determine the role of this variant in disease. Therefore, it has been classified as a Variant of Uncertain Significance.

NM_001366385.1(CARD14):c.2542C>A (p.Leu848Ile)

Genes: SGSH (N-sulfoglucosamine sulfohydrolase; minus strand), CARD14 (caspase recruitment domain family member 14; plus strand), LOC126862662 (MED14-independent group 3 enhancer GRCh37_chr17:78178385-78179584; plus strand). Cytogenetic location: 17q25.3.
Variant type: single nucleotide variant.
Coding change: c.2542C>A on transcript NM_001366385.1 (MANE Select); coding-DNA position 2542, C replaced by A.
Protein change: p.Leu848Ile; replaces leucine 848 with isoleucine.
Molecular consequence: missense variant. On other transcripts: non-coding transcript variant (1).
Genome position (GRCh38, 1-based): chr17:80,205,178, C>A. VCF-style: chr17-80205178-C-A. GRCh37 (hg19) VCF-style: chr17-78178977-C-A.
Other names: c.2542C>A, p.Leu848Ile (NM_024110.4); short protein forms L848I.
Identifiers: ClinVar variation 4783645 (VCV004783645.1).
Genomic context (GRCh38, chr17:80,205,178, plus strand): 5'-CGGCCTGTGCTCCTCGTGCCCAGGGCGGTTGGGAAGATCCTGAGCGAGAAACTGTGCCTC[C>A]TCCAAGGGTTTAAGAAGTGCCTGGCAGGTATGCTGTTGCCTGGGAATCCCTCTACCCCTT-3'
Protein context (NP_001353314.1, residues 838-858): GKILSEKLCL[Leu848Ile]QGFKKCLAEY